The following is an entry in ClinVar:

ClinVar aggregate classification (germline): Uncertain significance. Review status: criteria provided, multiple submitters, no conflicts (2 of 4 stars). 4 submissions from 4 submitters: Uncertain significance (4). Last evaluated 2023-12-19.

Conditions:
Leukodystrophy and acquired microcephaly with or without dystonia;. Also called: Leukodystrophy and acquired microcephaly with or without dystonia. Identifiers: MedGen C4225213, MONDO:0014766, OMIM 616763.

Allele frequency attached by ClinVar (database versions not stated): ESP Exome Variant Server 0.00038.

Submissions (4):

Ambry Genetics
Classification: Uncertain significance. Last evaluated: 2023-12-19. Review status: criteria provided, single submitter. Criteria: Ambry Variant Classification Scheme 2023. Collection method: clinical testing. Allele origin: germline.

CeGaT Center for Human Genetics Tuebingen
Classification: Uncertain significance. Last evaluated: 2023-11-01. Review status: criteria provided, single submitter. Criteria: CeGaT Center For Human Genetics Tuebingen Variant Classification Criteria Version 2. Collection method: clinical testing. Allele origin: germline. Affected: yes. Observed: 1 variant allele.
Comment: PLEKHG2: PM2, BP4

Labcorp Genetics (formerly Invitae), Labcorp
Classification: Uncertain significance. Last evaluated: 2022-08-27. Review status: criteria provided, single submitter. Criteria: Invitae Variant Classification Sherloc (09022015). Collection method: clinical testing. Allele origin: germline.
Comment: This sequence change replaces arginine, which is basic and polar, with cysteine, which is neutral and slightly polar, at codon 762 of the PLEKHG2 protein (p.Arg762Cys). This variant is present in population databases (rs61730569, gnomAD 0.06%). This variant has not been reported in the literature in individuals affected with PLEKHG2-related conditions. Algorithms developed to predict the effect of missense changes on protein structure and function (SIFT, PolyPhen-2, Align-GVGD) all suggest that this variant is likely to be disruptive. In summary, the available evidence is currently insufficient to determine the role of this variant in disease. Therefore, it has been classified as a Variant of Uncertain Significance.

Illumina Laboratory Services, Illumina
Classification: Uncertain significance for Leukodystrophy and acquired microcephaly with or without dystonia;. Last evaluated: 2021-05-27. Review status: criteria provided, single submitter. Criteria: ICSLVariantClassificationCriteria RUGD 01 April 2020. Collection method: clinical testing. Allele origin: unknown.
Comment: The PLEKHG2 c.2284C>T p.(Arg762Cys) missense variant has not, to our knowledge, been reported in the peer-reviewed literature. The variant is reported at a frequency of 0.000819 in the European (non-Finnish) population from the Genome Aggregation Database (version 4.0.0). Based on the limited evidence, the c.2284C>T p.(Arg762Cys) variant is classified as a variant of uncertain significance for leukodystrophy and acquired microcephaly with or without dystonia.

NM_022835.3(PLEKHG2):c.2284C>T (p.Arg762Cys)

Gene: PLEKHG2 (pleckstrin homology and RhoGEF domain containing G2; plus strand). Cytogenetic location: 19q13.2.
Variant type: single nucleotide variant.
Coding change: c.2284C>T on transcript NM_022835.3 (MANE Select); coding-DNA position 2284, C replaced by T.
Protein change: p.Arg762Cys; replaces arginine 762 with cysteine.
Molecular consequence: missense variant. On other transcripts: intron variant (1).
Genome position (GRCh38, 1-based): chr19:39,423,338, C>T. VCF-style: chr19-39423338-C-T. GRCh37 (hg19) VCF-style: chr19-39913978-C-T.
Other names: c.2107C>T, p.Arg703Cys (NM_001351693.2); c.1677+1050C>T (NM_001351694.2); short protein forms R703C, R762C.
Identifiers: ClinVar variation 2063918 (VCV002063918.26), dbSNP rs61730569, ClinGen allele CA9429734.